The following is an entry in ClinVar:

NM_001205293.3(CACNA1E):c.6799G>A (p.Gly2267Ser)

Gene: CACNA1E (calcium voltage-gated channel subunit alpha1 E; plus strand). Cytogenetic location: 1q25.3.
Variant type: single nucleotide variant.
Coding change: c.6799G>A on transcript NM_001205293.3 (MANE Select); coding-DNA position 6799, G replaced by A.
Protein change: p.Gly2267Ser; replaces glycine 2267 with serine.
Molecular consequence: missense variant.
Genome position (GRCh38, 1-based): chr1:181,798,691, G>A. VCF-style: chr1-181798691-G-A. GRCh37 (hg19) VCF-style: chr1-181767827-G-A.
Other names: c.6670G>A, p.Gly2224Ser (NM_000721.4); c.6613G>A, p.Gly2205Ser (NM_001205294.2); short protein forms G2224S, G2205S, G2267S.
Identifiers: ClinVar variation 2391505 (VCV002391505.5), dbSNP rs1405474687, ClinGen allele CA343845543.

ClinVar aggregate classification (germline): Uncertain significance. Review status: criteria provided, multiple submitters, no conflicts (2 of 4 stars). 2 submissions from 2 submitters: Uncertain significance (2). Last evaluated 2022-12-28.

Conditions:
Inborn genetic diseases. Identifiers: MedGen C0950123, MeSH D030342.

gnomAD v4.1: 1 of 1,609,176 alleles (0.000062%); highest among the groups gnomAD compares: Non-Finnish European, 0.000085%; no homozygotes.

Submissions (2):

Labcorp Genetics (formerly Invitae), Labcorp
Classification: Uncertain significance. Last evaluated: 2022-12-28. Review status: criteria provided, single submitter. Criteria: Invitae Variant Classification Sherloc (09022015). Collection method: clinical testing. Allele origin: germline.
Comment: In summary, the available evidence is currently insufficient to determine the role of this variant in disease. Therefore, it has been classified as a Variant of Uncertain Significance. Advanced modeling of protein sequence and biophysical properties (such as structural, functional, and spatial information, amino acid conservation, physicochemical variation, residue mobility, and thermodynamic stability) performed at Invitae indicates that this missense variant is not expected to disrupt CACNA1E protein function. This variant has not been reported in the literature in individuals affected with CACNA1E-related conditions. This variant is not present in population databases (gnomAD no frequency). This sequence change replaces glycine, which is neutral and non-polar, with serine, which is neutral and polar, at codon 2224 of the CACNA1E protein (p.Gly2224Ser).

Ambry Genetics
Classification: Uncertain significance for Inborn genetic diseases. Last evaluated: 2022-09-07. Review status: criteria provided, single submitter. Criteria: Ambry Variant Classification Scheme 2023. Collection method: clinical testing. Allele origin: germline.